The following is an entry in ClinVar:

ClinVar aggregate classification (germline): Uncertain significance (1 of 4 stars; one submission).

Conditions:
Tumor predisposition syndrome 3 (TPDS3). Also called: Glioma susceptibility 9; LONG TELOMERE SYNDROME, POT1-RELATED; POT1 Tumor Predisposition; Melanoma, cutaneous malignant, susceptibility to, 10. Identifiers: Orphanet 618, MedGen C4014476, MONDO:0014368, OMIM 615848.

Submission:

Labcorp Genetics (formerly Invitae), Labcorp
Classification: Uncertain significance for Tumor predisposition syndrome 3. Last evaluated: 2024-12-18. Review status: criteria provided, single submitter. Criteria: Invitae Variant Classification Sherloc (09022015). Collection method: clinical testing. Allele origin: germline.
Comment: This sequence change replaces aspartic acid, which is acidic and polar, with glycine, which is neutral and non-polar, at codon 549 of the POT1 protein (p.Asp549Gly). This variant is not present in population databases (gnomAD no frequency). This variant has not been reported in the literature in individuals affected with POT1-related conditions. Invitae Evidence Modeling of protein sequence and biophysical properties (such as structural, functional, and spatial information, amino acid conservation, physicochemical variation, residue mobility, and thermodynamic stability) indicates that this missense variant is not expected to disrupt POT1 protein function with a negative predictive value of 80%. In summary, the available evidence is currently insufficient to determine the role of this variant in disease. Therefore, it has been classified as a Variant of Uncertain Significance.

NM_015450.3(POT1):c.1646A>G (p.Asp549Gly)

Gene: POT1 (protection of telomeres 1; minus strand). Cytogenetic location: 7q31.33.
Variant type: single nucleotide variant.
Coding change: c.1646A>G on transcript NM_015450.3 (MANE Select); coding-DNA position 1646, A replaced by G.
Protein change: p.Asp549Gly; replaces aspartic acid 549 with glycine.
Molecular consequence: missense variant. On other transcripts: non-coding transcript variant (3).
Genome position (GRCh38, 1-based): chr7:124,827,254, T>C on the plus strand (A>G on the coding strand, the complement: POT1 is on the minus strand). VCF-style: chr7-124827254-T-C. GRCh37 (hg19) VCF-style: chr7-124467308-T-C.
Other names: c.1253A>G, p.Asp418Gly (NM_001042594.2); short protein forms D549G, D418G.
Identifiers: ClinVar variation 3667342 (VCV003667342.2).